The following is an entry in ClinVar:

ClinVar aggregate classification (germline): Pathogenic (1 of 4 stars; one submission).

Conditions:
Hereditary cancer-predisposing syndrome. Also called: Neoplastic Syndromes, Hereditary; Tumor predisposition; Hereditary neoplastic syndrome; Hereditary Cancer Syndrome. Identifiers: Orphanet 140162, MedGen C0027672, MeSH D009386, MONDO:0015356.
Cardiovascular phenotype. Identifiers: MedGen CN230736.

Submission:

Ambry Genetics
Classification: Pathogenic for Cardiovascular phenotype; Hereditary cancer-predisposing syndrome. Last evaluated: 2023-09-06. Review status: criteria provided, single submitter. Criteria: Ambry Variant Classification Scheme 2023. Collection method: clinical testing. Allele origin: germline.
Comment: The c.1850_1851dupTC pathogenic mutation, located in coding exon 16 of the LZTR1 gene, results from a duplication of TC at nucleotide position 1850, causing a translational frameshift with a predicted alternate stop codon (p.E618Sfs*8). This alteration is expected to result in loss of function by premature protein truncation or nonsense-mediated mRNA decay. Loss-of-function variants in LZTR1 are related to an increased risk for schwannomas and autosomal recessive Noonan syndrome; however, such associations with autosomal dominant Noonan syndrome have not been observed (Piotrowski A et al. Nat Genet. 2014 Feb;46:182-7; Yamamoto GL et al. J Med Genet. 2015 Jun;52:413-21; Johnston JJ et al. Genet Med. 2018 10;20:1175-1185). Based on the supporting evidence, this variant is pathogenic for an increased risk of LZTR1-related schwannomatosis (SWN) and would be expected to cause autosomal recessive Noonan syndrome when present along with a second pathogenic or likely pathogenic variant on the other allele; however, the association of this alteration with autosomal dominant Noonan syndrome is unlikely.

NM_006767.4(LZTR1):c.1850_1851dup (p.Glu618fs)

Gene: LZTR1 (leucine zipper like post translational regulator 1; plus strand). Cytogenetic location: 22q11.21.
Variant type: Duplication.
Coding change: c.1850_1851dup on transcript NM_006767.4 (MANE Select); coding-DNA positions 1850 to 1851, 2 bases duplicated (TC; older notation c.1850_1851dupTC).
Protein change: p.Glu618fs; shifts the reading frame from glutamic acid 618.
Molecular consequence: frameshift variant.
Genome position (GRCh38, 1-based): chr22:20,994,934-20,994,935, TC duplicated. VCF-style (leftmost placement, unchanged base first): chr22-20994933-T-TTC. GRCh37 (hg19) VCF-style: chr22-21349222-T-TTC.
Other names: short protein forms E618fs.
Identifiers: ClinVar variation 3238149 (VCV003238149.1), dbSNP rs2518622446.